The following is an entry in ClinVar:

NM_000275.3(OCA2):c.365C>T (p.Thr122Ile)

Gene: OCA2 (OCA2 melanosomal transmembrane protein; minus strand). Cytogenetic location: 15q13.1.
Variant type: single nucleotide variant.
Coding change: c.365C>T on transcript NM_000275.3 (MANE Select); coding-DNA position 365, C replaced by T.
Protein change: p.Thr122Ile; replaces threonine 122 with isoleucine.
Molecular consequence: missense variant.
Genome position (GRCh38, 1-based): chr15:28,028,021, G>A on the plus strand (C>T on the coding strand, the complement: OCA2 is on the minus strand). VCF-style: chr15-28028021-G-A. GRCh37 (hg19) VCF-style: chr15-28273167-G-A.
Other names: c.365C>T, p.Thr122Ile (NM_001300984.2); short protein forms T122I.
Identifiers: ClinVar variation 1169314 (VCV001169314.14), dbSNP rs34385677, ClinGen allele CA7439507.

ClinVar aggregate classification (germline): Benign/Likely benign. Review status: criteria provided, multiple submitters, no conflicts (2 of 4 stars). 4 submissions from 4 submitters: Benign (1); Likely benign (3). Last evaluated 2026-01-31.

Conditions:
Inborn genetic diseases. Identifiers: MedGen C0950123, MeSH D030342.

Allele frequency attached by ClinVar (database versions not stated): gnomAD exomes 0.00024 and 0.00058; ExAC 0.00075; 1000 Genomes Project 30x 0.00094; 1000 Genomes Project 0.00120; ESP Exome Variant Server 0.00231; gnomAD 0.00232 and 0.00249; TOPMed 0.00261.
gnomAD v4.1: 714 of 1,614,254 alleles (0.044%); highest among the groups gnomAD compares: African/African-American, 0.88%; 2 homozygotes.

Submissions (4):

Labcorp Genetics (formerly Invitae), Labcorp
Classification: Benign. Last evaluated: 2026-01-31. Review status: criteria provided, single submitter. Criteria: Invitae Variant Classification Sherloc (09022015). Collection method: clinical testing. Allele origin: germline.

Blueprint Genetics
Classification: Likely benign. Last evaluated: 2024-11-26. Review status: criteria provided, single submitter. Criteria: ACMG Guidelines, 2015. Collection method: clinical testing. Allele origin: germline.

Ambry Genetics
Classification: Likely benign for Inborn genetic diseases. Last evaluated: 2024-09-23. Review status: criteria provided, single submitter. Criteria: Ambry Variant Classification Scheme 2023. Collection method: clinical testing. Allele origin: germline.

GeneDx
Classification: Likely benign. Last evaluated: 2020-02-27. Review status: criteria provided, single submitter. Criteria: GeneDx Variant Classification Process June 2021. Collection method: clinical testing. Allele origin: germline. Affected: yes.
Comment: See Variant Classification Assertion Criteria.

Literature cited by the submitters: PubMed 24845642 (cited by Ambry Genetics).